The following is an entry in ClinVar:

ClinVar aggregate classification (germline): Pathogenic (0 of 4 stars; one submission).

Conditions:
Retinitis pigmentosa (RP). Identifiers: Orphanet 791, MedGen C0035334, MeSH D012174, MONDO:0019200, OMIM 268000. Inheritance: Autosomal dominant, autosomal recessive and X linked inheritance.

Submission:

Centro de Genética y Biología Molecular, Universidad de San Martín de Porres
Classification: Pathogenic for Retinitis pigmentosa. Last evaluated: 2018-08-11. Review status: no assertion criteria provided. Collection method: clinical testing. Allele origin: maternal. Inheritance: X-linked inheritance. Affected: yes. Observed: 8 variant alleles, 1 homozygote, 7 hemizygotes.
Comment: The town has an increased number of consanguineous marriages. As far as we know, this is a new mutation that is extensively found in ParÃ¡n.

NM_001034853.2(RPGR):c.578_588del (p.Ser193fs)

Gene: RPGR (retinitis pigmentosa GTPase regulator; minus strand). Cytogenetic location: Xp11.4.
Variant type: Deletion.
Coding change: c.578_588del on transcript NM_001034853.2 (MANE Select); coding-DNA positions 578 to 588, 11 bases deleted (CCTGGATCTCT).
Protein change: p.Ser193fs; shifts the reading frame from serine 193.
Molecular consequence: frameshift variant. On other transcripts: non-coding transcript variant (5).
Genome position (GRCh38, 1-based): chrX:38,317,347-38,317,357, AGAGATCCAGG deleted on the plus strand (CCTGGATCTCT on the coding strand, the reverse complement: RPGR is on the minus strand); deleting any 11 consecutive bases within chrX:38,317,347-38,317,360 gives the same sequence; the c. name uses the placement nearest the transcript's 3' end. VCF-style (leftmost placement, unchanged base first): chrX-38317346-AAGAGATCCAGG-A. GRCh37 (hg19) VCF-style: chrX-38176599-AAGAGATCCAGG-A.
Other names: c.578_588del, p.Ser193fs (NM_000328.3, NM_001367245.1, NM_001367246.1 and 3 more transcripts); c.608_618del, p.Ser203fs (NM_001367248.1); c.575_585del, p.Ser192fs (NM_001367249.1); short protein forms S192fs, S193fs, S203fs.
Identifiers: ClinVar variation 586984 (VCV000586984.3), dbSNP rs1569257917, ClinGen allele CA891844247.